The following is an entry in ClinVar:

ClinVar aggregate classification (germline): Uncertain significance (1 of 4 stars; one submission).

Conditions:
Inborn genetic diseases. Identifiers: MedGen C0950123, MeSH D030342.

Submission:

Ambry Genetics
Classification: Uncertain significance for Inborn genetic diseases. Last evaluated: 2026-02-16. Review status: criteria provided, single submitter. Criteria: Ambry Variant Classification Scheme 2023. Collection method: clinical testing. Allele origin: germline.
Comment: The p.A656V variant (also known as c.1967C>T), located in coding exon 22 of the FANCA gene, results from a C to T substitution at nucleotide position 1967. The alanine at codon 656 is replaced by valine, an amino acid with similar properties. This amino acid position is conserved. In addition, the in silico prediction for this alteration is inconclusive. Based on the available evidence, the clinical significance of this variant remains unclear.

NM_000135.4(FANCA):c.1967C>T (p.Ala656Val)

Gene: FANCA (FA complementation group A; minus strand). Cytogenetic location: 16q24.3.
Variant type: single nucleotide variant.
Coding change: c.1967C>T on transcript NM_000135.4 (MANE Select); coding-DNA position 1967, C replaced by T.
Protein change: p.Ala656Val; replaces alanine 656 with valine.
Molecular consequence: missense variant.
Genome position (GRCh38, 1-based): chr16:89,773,318, G>A on the plus strand (C>T on the coding strand, the complement: FANCA is on the minus strand). VCF-style: chr16-89773318-G-A. GRCh37 (hg19) VCF-style: chr16-89839726-G-A.
Other names: c.1967C>T, p.Ala656Val (NM_001286167.3); short protein forms A656V.
Identifiers: ClinVar variation 4824606 (VCV004824606.1).